The following is an entry in ClinVar:

ClinVar aggregate classification (germline): Uncertain significance (1 of 4 stars; one submission).

Submission:

Women's Health and Genetics/Laboratory Corporation of America, LabCorp
Classification: Uncertain significance. Last evaluated: 2024-09-30. Review status: criteria provided, single submitter. Criteria: LabCorp Variant Classification Summary - May 2015. Collection method: clinical testing. Allele origin: germline.
Comment: Variant summary: IVD c.85G>A (p.Ala29Thr) results in a non-conservative amino acid change in the encoded protein sequence. Three of five in-silico tools predict a benign effect of the variant on protein function. The variant was absent in 247384 control chromosomes. The available data on variant occurrences in the general population are insufficient to allow any conclusion about variant significance. To our knowledge, no occurrence of c.85G>A in individuals affected with Isovaleryl-CoA Dehydrogenase Deficiency and no experimental evidence demonstrating its impact on protein function have been reported. No submitters have cited clinical-significance assessments for this variant to ClinVar. Based on the evidence outlined above, the variant was classified as uncertain significance.

NM_002225.5(IVD):c.85G>A (p.Ala29Thr)

Gene: IVD (isovaleryl-CoA dehydrogenase; plus strand). Cytogenetic location: 15q15.1.
Variant type: single nucleotide variant.
Coding change: c.85G>A on transcript NM_002225.5 (MANE Select); coding-DNA position 85, G replaced by A.
Protein change: p.Ala29Thr; replaces alanine 29 with threonine.
Molecular consequence: missense variant. On other transcripts: 5 prime UTR variant (1), non-coding transcript variant (1).
Genome position (GRCh38, 1-based): chr15:40,405,912, G>A. VCF-style: chr15-40405912-G-A. GRCh37 (hg19) VCF-style: chr15-40698113-G-A.
Other names: c.85G>A, p.Ala29Thr (NM_001159508.3, NM_001354598.3, NM_001354599.3 and 2 more transcripts); c.-343G>A (NM_001354597.3); short protein forms A29T.
Identifiers: ClinVar variation 3374832 (VCV003374832.1).